The following is an entry in ClinVar:

ClinVar aggregate classification (germline): Uncertain significance (1 of 4 stars; one submission).

Conditions:
Bethlem myopathy 1A. Also called: Bethlem myopathy 1; Bethlem Muscular Dystrophy; MYOPATHY, BENIGN CONGENITAL, WITH CONTRACTURES. Identifiers: Orphanet 610, MedGen CN029274, MONDO:0024530, OMIM 158810.

Submission:

Labcorp Genetics (formerly Invitae), Labcorp
Classification: Uncertain significance for Bethlem myopathy 1A. Last evaluated: 2025-08-11. Review status: criteria provided, single submitter. Criteria: Invitae Variant Classification Sherloc (09022015). Collection method: clinical testing. Allele origin: germline.
Comment: This sequence change replaces arginine, which is basic and polar, with isoleucine, which is neutral and non-polar, at codon 1580 of the COL6A3 protein (p.Arg1580Ile). This variant is not present in population databases (gnomAD no frequency). This variant has not been reported in the literature in individuals affected with COL6A3-related conditions. ClinVar contains an entry for this variant (Variation ID: 2722017). Invitae Evidence Modeling of protein sequence and biophysical properties (such as structural, functional, and spatial information, amino acid conservation, physicochemical variation, residue mobility, and thermodynamic stability) indicates that this missense variant is not expected to disrupt COL6A3 protein function with a negative predictive value of 80%. In summary, the available evidence is currently insufficient to determine the role of this variant in disease. Therefore, it has been classified as a Variant of Uncertain Significance.

NM_004369.4(COL6A3):c.4739G>T (p.Arg1580Ile)

Gene: COL6A3 (collagen type VI alpha 3 chain; minus strand). Cytogenetic location: 2q37.3.
Variant type: single nucleotide variant.
Coding change: c.4739G>T on transcript NM_004369.4 (MANE Select); coding-DNA position 4739, G replaced by T.
Protein change: p.Arg1580Ile; replaces arginine 1580 with isoleucine.
Molecular consequence: missense variant.
Genome position (GRCh38, 1-based): chr2:237,368,724, C>A on the plus strand (G>T on the coding strand, the complement: COL6A3 is on the minus strand). VCF-style: chr2-237368724-C-A. GRCh37 (hg19) VCF-style: chr2-238277367-C-A.
Other names: c.2918G>T, p.Arg973Ile (NM_057166.5); c.4121G>T, p.Arg1374Ile (NM_057167.4); short protein forms R1374I, R1580I, R973I.
Identifiers: ClinVar variation 2722017 (VCV002722017.3), dbSNP rs2469888396, ClinGen allele CA351192237.